The following is an entry in ClinVar:

NM_013432.5(TONSL):c.575C>T (p.Ala192Val)

Gene: TONSL (tonsoku like, DNA repair protein; minus strand). Cytogenetic location: 8q24.3.
Variant type: single nucleotide variant.
Coding change: c.575C>T on transcript NM_013432.5 (MANE Select); coding-DNA position 575, C replaced by T.
Protein change: p.Ala192Val; replaces alanine 192 with valine.
Molecular consequence: missense variant.
Genome position (GRCh38, 1-based): chr8:144,442,680, G>A on the plus strand (C>T on the coding strand, the complement: TONSL is on the minus strand). VCF-style: chr8-144442680-G-A. GRCh37 (hg19) VCF-style: chr8-145668063-G-A.
Other names: c.575C>T (NM_013432.4); short protein forms A192V.
Identifiers: ClinVar variation 3731333 (VCV003731333.2).
Genomic context (GRCh38, chr8:144,442,680, plus strand): 5'-CTACTTCCTCCAGGAACAAGGGACTCCACTCCCTCCTGGGGCGGGGCAGGGCCTTACTCC[G>A]CAAGGAAGATGCTCTTCCTGAAGTAATCGTTGCACAGGGCTGTCTGCTGCAGGCTCTCAA-3'
Protein context (NP_038460.4, residues 182-202): NDYFRKSIFL[Ala192Val]EQNHLYEDLF

ClinVar aggregate classification (germline): Uncertain significance. Review status: criteria provided, multiple submitters, no conflicts (2 of 4 stars). 2 submissions from 2 submitters: Uncertain significance (2). Last evaluated 2025-01-08.

Conditions:
Sponastrime dysplasia. Also called: SPONDYLAR AND NASAL ALTERATIONS WITH STRIATED METAPHYSES. Identifiers: Orphanet 93357, MedGen C1300260, MONDO:0010068, OMIM 271510.
Inborn genetic diseases. Identifiers: MedGen C0950123, MeSH D030342.

gnomAD v4.1: 15 of 1,612,356 alleles (0.00093%); highest among the groups gnomAD compares: South Asian, 0.0022%; no homozygotes.

Submissions (2):

Ambry Genetics
Classification: Uncertain significance for Inborn genetic diseases. Last evaluated: 2025-01-08. Review status: criteria provided, single submitter. Criteria: Ambry Variant Classification Scheme 2023. Collection method: clinical testing. Allele origin: germline.

Neuberg Centre For Genomic Medicine, NCGM
Classification: Uncertain significance for Sponastrime dysplasia. Last evaluated: 2023-06-22. Review status: criteria provided, single submitter. Criteria: ACMG Guidelines, 2015. Collection method: clinical testing. Allele origin: germline. Inheritance: Autosomal recessive inheritance. Affected: yes.
Comment: The missense c.575C>T (p.Ala192Val) variant in TONSL gene has not been reported previously as a pathogenic variant nor as a benign variant, to our knowledge. The p.Ala192Val variant is present with allele frequency of 0.0004% in gnomAD Exomes. This variant has not been submitted to the ClinVar database. Multiple lines of computational evidence (Polyphen - Possibly Damaging, SIFT - Damaging and MutationTaster - Disease causing) predict a damaging effect on protein structure and function for this variant. The reference amino acid at this position in TONSL is predicted as conserved by GERP++ and PhyloP across 100 vertebrates. The amino acid Ala at position 192 is changed to a Val changing protein sequence and it might alter its composition and physico-chemical properties. For these reasons, this variant has been classified as a Variant of Uncertain Significance (VUS).